The following is an entry in ClinVar:

ClinVar aggregate classification (germline): Uncertain significance (1 of 4 stars; one submission).

Conditions:
Idiopathic generalized epilepsy. Also called: EIG; Generalised epilepsy. Identifiers: MedGen C0270850, MONDO:0005579, OMIM 600669.

Submission:

Labcorp Genetics (formerly Invitae), Labcorp
Classification: Uncertain significance for Idiopathic generalized epilepsy. Last evaluated: 2022-01-17. Review status: criteria provided, single submitter. Criteria: Invitae Variant Classification Sherloc (09022015). Collection method: clinical testing. Allele origin: germline.
Comment: In summary, the available evidence is currently insufficient to determine the role of this variant in disease. Therefore, it has been classified as a Variant of Uncertain Significance. This variant has not been reported in the literature in individuals affected with RBFOX3-related conditions. This sequence change creates a premature translational stop signal (p.Pro13Serfs*121) in the RBFOX3 gene. It is expected to result in an absent or disrupted protein product. However, the current clinical and genetic evidence is not sufficient to establish whether loss-of-function variants in RBFOX3 cause disease. This variant is not present in population databases (gnomAD no frequency).

NM_001350451.2(RBFOX3):c.35dup (p.Pro13fs)

Gene: RBFOX3 (RNA binding fox-1 homolog 3; minus strand). Cytogenetic location: 17q25.3.
Variant type: Duplication.
Coding change: c.35dup on transcript NM_001350451.2 (MANE Select); coding-DNA position 35, one base duplicated (C; older notation c.35dupC).
Protein change: p.Pro13fs; shifts the reading frame from proline 13.
Molecular consequence: frameshift variant.
Genome position (GRCh38, 1-based): chr17:79,115,681, G duplicated on the plus strand (C on the coding strand, the reverse complement: RBFOX3 is on the minus strand); the first of 6 consecutive G bases (chr17:79,115,681-79,115,686); duplicating any one gives the same sequence. VCF-style (leftmost placement, unchanged base first): chr17-79115680-A-AG. GRCh37 (hg19) VCF-style: chr17-77111762-A-AG.
Other names: c.35dup, p.Pro13fs (NM_001082575.3, NM_001350453.2, NM_001385804.1 and 43 more transcripts); short protein forms P13fs.
Identifiers: ClinVar variation 2087324 (VCV002087324.4), dbSNP rs2510567398, ClinGen allele CA2580095257.
Genomic context (GRCh38, chr17:79,115,680, plus strand): 5'-GTCCTGCGTGGGGTGCGGTGGGGGCGGGGCGTACTCGGCAGGGATGCCGTTCTGTGGCGG[A>AG]GGGGGGTACTGGGCGGGGGGGTAGGGCTGGGCCATCGCTTCAGGCGGAGCCGTGGCGTCC-3'